The following is an entry in ClinVar:

ClinVar aggregate classification (germline): Uncertain significance (1 of 4 stars; one submission).

Conditions:
Inborn genetic diseases. Identifiers: MedGen C0950123, MeSH D030342.

Submission:

Ambry Genetics
Classification: Uncertain significance for Inborn genetic diseases. Last evaluated: 2026-03-29. Review status: criteria provided, single submitter. Criteria: Ambry Variant Classification Scheme 2023. Collection method: clinical testing. Allele origin: germline.
Comment: The p.M199T variant (also known as c.596T>C), located in coding exon 4 of the MECOM gene, results from a T to C substitution at nucleotide position 596. The methionine at codon 199 is replaced by threonine, an amino acid with similar properties. This amino acid position is conserved. In addition, this alteration is predicted to be deleterious by in silico analysis. Based on the available evidence, the clinical significance of this variant remains unclear.

NM_004991.4(MECOM):c.596T>C (p.Met199Thr)

Gene: MECOM (MDS1 and EVI1 complex locus; minus strand). Cytogenetic location: 3q26.2.
Variant type: single nucleotide variant.
Coding change: c.596T>C on transcript NM_004991.4 (MANE Select); coding-DNA position 596, T replaced by C.
Protein change: p.Met199Thr; replaces methionine 199 with threonine.
Molecular consequence: missense variant.
Genome position (GRCh38, 1-based): chr3:169,131,446, A>G on the plus strand (T>C on the coding strand, the complement: MECOM is on the minus strand). VCF-style: chr3-169131446-A-G. GRCh37 (hg19) VCF-style: chr3-168849234-A-G.
Other names: c.32T>C, p.Met11Thr (NM_001366471.2, NM_001366472.2, NM_001366474.2 and 9 more transcripts); c.596T>C, p.Met199Thr (NM_001366473.2, NM_001366466.2); c.224T>C, p.Met75Thr (NM_001105077.4); short protein forms M11T, M199T, M75T.
Identifiers: ClinVar variation 4859711 (VCV004859711.1).